The following is an entry in ClinVar:

NM_005460.4(SNCAIP):c.*103C>T

Genes: SNCAIP (synuclein alpha interacting protein; plus strand), SNCAIP-AS3 (SNCAIP antisense RNA 3; minus strand). Cytogenetic location: 5q23.2.
Variant type: single nucleotide variant.
Coding change: c.*103C>T on transcript NM_005460.4 (MANE Select); 103 bases downstream of the stop codon, C replaced by T.
Molecular consequence: 3 prime UTR variant. On other transcripts: non-coding transcript variant (2).
Genome position (GRCh38, 1-based): chr5:122,463,599, C>T. VCF-style: chr5-122463599-C-T. GRCh37 (hg19) VCF-style: chr5-121799294-C-T.
Other names: c.*24C>T (NM_001242935.3, NM_001308100.2); c.*103C>T (NM_001308105.1, NM_001308106.1, NM_001308107.2 and 2 more transcripts).
Identifiers: ClinVar variation 906927 (VCV000906927.5), dbSNP rs547306341, ClinGen allele CA3385187.
Genomic context (GRCh38, chr5:122,463,599, plus strand): 5'-CATTGCTGAGCCAGAGTCAAAAGAACTCTTCTTGTAAATCACTTTTTAAATTTTCTCTCA[C>T]TGATGCCCTTTGGAAATTATTGGAAATTTCTGGACTATCCTCTTTGGAAAGAGAACCATG-3'

ClinVar aggregate classification (germline): Likely benign. Review status: criteria provided, multiple submitters, no conflicts (2 of 4 stars). 2 submissions from 2 submitters: Likely benign (2). Last evaluated 2018-01-13.

Conditions:
Parkinson Disease, Dominant/Recessive.

Allele frequency attached by ClinVar (database versions not stated): 1000 Genomes Project 30x 0.00016; 1000 Genomes Project 0.00020; gnomAD 0.00025; gnomAD exomes 0.00025 and 0.00028; ExAC 0.00026; TOPMed 0.00036.
gnomAD v4.1: 360 of 1,297,890 alleles (0.028%); highest among the groups gnomAD compares: Non-Finnish European, 0.035%; no homozygotes.

Submissions (2):

Illumina Laboratory Services, Illumina
Classification: Likely benign for Parkinson Disease, Dominant/Recessive. Last evaluated: 2018-01-13. Review status: criteria provided, single submitter. Criteria: ICSL Variant Classification Criteria 13 December 2019. Collection method: clinical testing. Allele origin: germline.
Comment: This variant was observed in the ICSL laboratory as part of a predisposition screen in an ostensibly healthy population. It had not been previously curated by ICSL or reported in the Human Gene Mutation Database (HGMD: prior to June 1st, 2018), and was therefore a candidate for classification through an automated scoring system. Utilizing variant allele frequency, disease prevalence and penetrance estimates, and inheritance mode, an automated score was calculated to assess if this variant is too frequent to cause the disease. Based on the score and internal cut-off values, a variant classified as likely benign is not then subjected to further curation. The score for this variant resulted in a classification of likely benign for this disease.

Breakthrough Genomics
Classification: Likely benign. Review status: criteria provided, single submitter. Criteria: ACMG Guidelines, 2015. Collection method: not provided. Allele origin: germline. Inheritance: Unknown mechanism. Affected: yes.